The following is an entry in ClinVar:

ClinVar aggregate classification (germline): Uncertain significance (1 of 4 stars; one submission).

Conditions:
Long QT syndrome (LQTS). Identifiers: MedGen C0023976, MeSH D008133, MONDO:0002442. Disease mechanism: loss of function. Inheritance: Various modes of inheritance.

Submission:

Labcorp Genetics (formerly Invitae), Labcorp
Classification: Uncertain significance for Long QT syndrome. Last evaluated: 2023-04-06. Review status: criteria provided, single submitter. Criteria: Invitae Variant Classification Sherloc (09022015). Collection method: clinical testing. Allele origin: germline.
Comment: This sequence change replaces arginine, which is basic and polar, with proline, which is neutral and non-polar, at codon 2120 of the CACNA1C protein (p.Arg2120Pro). This variant is not present in population databases (gnomAD no frequency). This variant has not been reported in the literature in individuals affected with CACNA1C-related conditions. Advanced modeling of protein sequence and biophysical properties (such as structural, functional, and spatial information, amino acid conservation, physicochemical variation, residue mobility, and thermodynamic stability) performed at Invitae indicates that this missense variant is not expected to disrupt CACNA1C protein function. In summary, the available evidence is currently insufficient to determine the role of this variant in disease. Therefore, it has been classified as a Variant of Uncertain Significance.

NM_000719.7(CACNA1C):c.6359G>C (p.Arg2120Pro)

Genes: CACNA1C (calcium voltage-gated channel subunit alpha1 C; plus strand), CACNA1C-AS1 (CACNA1C antisense RNA 1; minus strand). Cytogenetic location: 12p13.33.
Variant type: single nucleotide variant.
Coding change: c.6359G>C on transcript NM_000719.7 (MANE Select); coding-DNA position 6359, G replaced by C.
Protein change: p.Arg2120Pro; replaces arginine 2120 with proline.
Molecular consequence: missense variant. On other transcripts: non-coding transcript variant (1).
Genome position (GRCh38, 1-based): chr12:2,691,141, G>C. VCF-style: chr12-2691141-G-C. GRCh37 (hg19) VCF-style: chr12-2800307-G-C.
Other names: c.6419G>C, p.Arg2140Pro (NM_001129832.2); c.6416G>C, p.Arg2139Pro (NM_001129833.2, NM_001129834.2, NM_001129835.2); c.6410G>C, p.Arg2137Pro (NM_001129836.2); c.6383G>C, p.Arg2128Pro (NM_001129837.2, NM_001129838.2); c.6377G>C, p.Arg2126Pro (NM_001129839.2); c.6359G>C, p.Arg2120Pro (NM_001129840.2, NM_001129841.2, NM_001129842.2 and 2 more transcripts); c.6350G>C, p.Arg2117Pro (NM_001129844.2); c.6326G>C, p.Arg2109Pro (NM_001129846.2); and 6 more; short protein forms R2109P, R2137P, R2161P, R2117P, R2126P, R2168P, R2180P, R2128P.
Identifiers: ClinVar variation 3003830 (VCV003003830.3), dbSNP rs1396060562, ClinGen allele CA383387597.
Genomic context (GRCh38, chr12:2,691,141, plus strand): 5'-GCAGGGACGCGGGGCAGGACCGAGCCGGGGGCGAAGAGGACGCGGGCTGTGTGCGCGCGC[G>C]GGGTCGACCGAGTGAGGAGGAGCTCCAGGACAGCAGGGTCTACGTCAGCAGCCTGTAGTG-3'
Protein context (NP_000710.5, residues 2110-2130): GEEDAGCVRA[Arg2120Pro]GRPSEEELQD